The following is an entry in ClinVar:

NM_001386795.1(DTNA):c.1343del (p.Ser448fs)

Gene: DTNA (dystrobrevin alpha; plus strand). Cytogenetic location: 18q12.1.
Variant type: Deletion.
Coding change: c.1343del on transcript NM_001386795.1 (MANE Select); coding-DNA position 1343, one base deleted (C; older notation c.1343delC).
Protein change: p.Ser448fs; shifts the reading frame from serine 448.
Molecular consequence: frameshift variant. On other transcripts: intron variant (33).
Genome position (GRCh38, 1-based): chr18:34,838,834, C deleted. VCF-style (leftmost placement, unchanged base first): chr18-34838833-TC-T. GRCh37 (hg19) VCF-style: chr18-32418797-TC-T.
Other names: c.389del, p.Ser130fs (NM_001198942.1); c.1343del, p.Ser448fs (NM_001386788.1); c.1262del, p.Ser421fs (NM_001390.5, NM_001391.5); c.1253del, p.Ser418fs (NM_032978.7); c.1095-9462del (NM_032975.4, NM_001386761.1, NM_001386762.1 and 1 more transcripts); c.1175+9345del (NM_001386754.1, NM_001386755.1, NM_001386760.1 and 5 more transcripts); c.1086-9462del (NM_001386763.1, NM_001386764.1, NM_001386768.1 and 13 more transcripts); c.604-12997del (NM_001198945.2); and 4 more; short protein forms S130fs, S418fs, S421fs, S448fs.
Identifiers: ClinVar variation 4811576 (VCV004811576.1).

ClinVar aggregate classification (germline): Uncertain significance (1 of 4 stars; one submission).

Conditions:
Left ventricular noncompaction 1 (LVNC1). Also called: LEFT VENTRICULAR NONCOMPACTION 1 WITH OR WITHOUT CONGENITAL HEART DEFECTS. Identifiers: Orphanet 54260, MedGen C1858725, MONDO:0011403, OMIM 604169.

Submission:

Labcorp Genetics (formerly Invitae), Labcorp
Classification: Uncertain significance for Left ventricular noncompaction 1. Last evaluated: 2025-03-23. Review status: criteria provided, single submitter. Criteria: Invitae Variant Classification Sherloc (09022015). Collection method: clinical testing. Allele origin: germline.
Comment: This sequence change creates a premature translational stop signal (p.Ser421Tyrfs*16) in the DTNA gene. It is expected to result in an absent or disrupted protein product. However, the current clinical and genetic evidence is not sufficient to establish whether loss-of-function variants in DTNA cause disease. This variant is not present in population databases (gnomAD no frequency). This variant has not been reported in the literature in individuals affected with DTNA-related conditions. In summary, the available evidence is currently insufficient to determine the role of this variant in disease. Therefore, it has been classified as a Variant of Uncertain Significance.